The following is an entry in ClinVar:

ClinVar aggregate classification (germline): Uncertain significance (1 of 4 stars; one submission).

Allele frequency attached by ClinVar (database versions not stated): gnomAD 0.00001; gnomAD exomes 0.00001 and 0.00002; TOPMed 0.00001; ExAC 0.00003.
gnomAD v4.1: 22 of 1,607,368 alleles (0.0014%); highest among the groups gnomAD compares: Non-Finnish European, 0.0015%; no homozygotes.

Submission:

Labcorp Genetics (formerly Invitae), Labcorp
Classification: Uncertain significance. Last evaluated: 2024-06-10. Review status: criteria provided, single submitter. Criteria: Invitae Variant Classification Sherloc (09022015). Collection method: clinical testing. Allele origin: germline.
Comment: This sequence change replaces arginine, which is basic and polar, with glutamine, which is neutral and polar, at codon 260 of the IL12RB2 protein (p.Arg260Gln). This variant is present in population databases (rs771299847, gnomAD 0.003%). This variant has not been reported in the literature in individuals affected with IL12RB2-related conditions. ClinVar contains an entry for this variant (Variation ID: 1502178). Algorithms developed to predict the effect of missense changes on protein structure and function output the following: SIFT: "Not Available"; PolyPhen-2: "Possibly Damaging"; Align-GVGD: "Not Available". The glutamine amino acid residue is found in multiple mammalian species, which suggests that this missense change does not adversely affect protein function. In summary, the available evidence is currently insufficient to determine the role of this variant in disease. Therefore, it has been classified as a Variant of Uncertain Significance.

NM_001374259.2(IL12RB2):c.779G>A (p.Arg260Gln)

Gene: IL12RB2 (interleukin 12 receptor subunit beta 2; plus strand). Cytogenetic location: 1p31.3.
Variant type: single nucleotide variant.
Coding change: c.779G>A on transcript NM_001374259.2 (MANE Select); coding-DNA position 779, G replaced by A.
Protein change: p.Arg260Gln; replaces arginine 260 with glutamine.
Molecular consequence: missense variant. On other transcripts: non-coding transcript variant (2).
Genome position (GRCh38, 1-based): chr1:67,329,701, G>A. VCF-style: chr1-67329701-G-A. GRCh37 (hg19) VCF-style: chr1-67795384-G-A.
Other names: c.779G>A, p.Arg260Gln (NM_001258214.1, NM_001258215.1, NM_001258216.1 and 2 more transcripts); short protein forms R260Q.
Identifiers: ClinVar variation 1502178 (VCV001502178.6), dbSNP rs771299847, ClinGen allele CA900286.
Genomic context (GRCh38, chr1:67,329,701, plus strand): 5'-GCAGATGTACCCTTTATTGGAGAGATGAGGGACTGGTACTGCTTAATCGACTCAGATATC[G>A]GCCCAGTAACAGCAGGCTCTGGAATATGGTAATTATCTTTAGAGTGAAGGAAAAAACACT-3'
Protein context (NP_001361188.1, residues 250-270): GLVLLNRLRY[Arg260Gln]PSNSRLWNMV